The following is an entry in ClinVar:

ClinVar aggregate classification (germline): Uncertain significance (1 of 4 stars; one submission).

Allele frequency attached by ClinVar (database versions not stated): gnomAD exomes below 0.00001; TOPMed below 0.00001; gnomAD 0.00001.
gnomAD v4.1: 6 of 1,611,262 alleles (0.00037%); highest among the groups gnomAD compares: Non-Finnish European, 0.00051%; no homozygotes.

Submission:

Labcorp Genetics (formerly Invitae), Labcorp
Classification: Uncertain significance. Last evaluated: 2024-10-22. Review status: criteria provided, single submitter. Criteria: Invitae Variant Classification Sherloc (09022015). Collection method: clinical testing. Allele origin: germline.
Comment: This sequence change replaces aspartic acid, which is acidic and polar, with glutamic acid, which is acidic and polar, at codon 828 of the COL18A1 protein (p.Asp828Glu). This variant is not present in population databases (gnomAD no frequency). This variant has not been reported in the literature in individuals affected with COL18A1-related conditions. ClinVar contains an entry for this variant (Variation ID: 1962079). Experimental studies and prediction algorithms are not available or were not evaluated, and the functional significance of this variant is currently unknown. In summary, the available evidence is currently insufficient to determine the role of this variant in disease. Therefore, it has been classified as a Variant of Uncertain Significance.

NM_001379500.1(COL18A1):c.2484T>A (p.Asp828Glu)

Gene: COL18A1 (collagen type XVIII alpha 1 chain; plus strand). Cytogenetic location: 21q22.3.
Variant type: single nucleotide variant.
Coding change: c.2484T>A on transcript NM_001379500.1 (MANE Select); coding-DNA position 2484, T replaced by A.
Protein change: p.Asp828Glu; replaces aspartic acid 828 with glutamic acid.
Molecular consequence: missense variant.
Genome position (GRCh38, 1-based): chr21:45,495,408, T>A. VCF-style: chr21-45495408-T-A. GRCh37 (hg19) VCF-style: chr21-46915322-T-A.
Other names: c.3024T>A, p.Asp1008Glu (NM_030582.4); c.3729T>A, p.Asp1243Glu (NM_130444.3); short protein forms D1008E, D1243E, D828E.
Identifiers: ClinVar variation 1962079 (VCV001962079.4), dbSNP rs2036496227, ClinGen allele CA410497831.